The following is an entry in ClinVar:

NM_006096.4(NDRG1):c.805G>A (p.Val269Met)

Genes: NDRG1 (N-myc downstream regulated 1; minus strand), LOC126860531 (CDK7 strongly-dependent group 2 enhancer GRCh37_chr8:134259869-134261068; plus strand). Cytogenetic location: 8q24.22.
Variant type: single nucleotide variant.
Coding change: c.805G>A on transcript NM_006096.4 (MANE Select); coding-DNA position 805, G replaced by A.
Protein change: p.Val269Met; replaces valine 269 with methionine.
Molecular consequence: missense variant.
Genome position (GRCh38, 1-based): chr8:133,247,877, C>T on the plus strand (G>A on the coding strand, the complement: NDRG1 is on the minus strand). VCF-style: chr8-133247877-C-T. GRCh37 (hg19) VCF-style: chr8-134260120-C-T.
Other names: c.805G>A, p.Val269Met (NM_001135242.2, NM_001374845.1, NM_001374846.1); c.607G>A, p.Val203Met (NM_001258432.2, NM_001374847.1); c.562G>A, p.Val188Met (NM_001258433.2); c.856G>A, p.Val286Met (NM_001374844.1); short protein forms V203M, V269M, V188M, V286M.
Identifiers: ClinVar variation 934955 (VCV000934955.6), dbSNP rs750779893, ClinGen allele CA4886576.

ClinVar aggregate classification (germline): Uncertain significance. Review status: criteria provided, multiple submitters, no conflicts (2 of 4 stars). 3 submissions from 3 submitters: Uncertain significance (2). 1 of the submissions does not count toward it. Last evaluated 2025-09-01.

Conditions:
Inborn genetic diseases. Identifiers: MedGen C0950123, MeSH D030342.
Charcot-Marie-Tooth disease type 4. Also called: Charcot-Marie-Tooth disease, type IV; Charcot-Marie-Tooth, Type 4. Identifiers: Orphanet 64749, MedGen C4082197, MONDO:0018995.
Charcot-Marie-Tooth disease type 4D. Also called: Charcot-Marie-Tooth Neuropathy Type 4D; CHARCOT-MARIE-TOOTH DISEASE, DEMYELINATING, TYPE 4D; NEUROPATHY, HEREDITARY MOTOR AND SENSORY, LOM TYPE; CHARCOT-MARIE-TOOTH DISEASE, DEMYELINATING, AUTOSOMAL RECESSIVE, TYPE 4D. Identifiers: Orphanet 99950, MedGen C1832334, MONDO:0011085, OMIM 601455.

Allele frequency attached by ClinVar (database versions not stated): gnomAD 0.00001 and 0.00003; gnomAD exomes 0.00001; ExAC 0.00002.
gnomAD v4.1: 22 of 1,614,092 alleles (0.0014%); highest among the groups gnomAD compares: South Asian, 0.0044%; no homozygotes.

Submissions (3):

Ambry Genetics
Classification: Uncertain significance for Inborn genetic diseases. Last evaluated: 2025-09-01. Review status: criteria provided, single submitter. Criteria: Ambry Variant Classification Scheme 2023. Collection method: clinical testing. Allele origin: germline.

Labcorp Genetics (formerly Invitae), Labcorp
Classification: Uncertain significance for Charcot-Marie-Tooth disease type 4. Last evaluated: 2022-08-23. Review status: criteria provided, single submitter. Criteria: Invitae Variant Classification Sherloc (09022015). Collection method: clinical testing. Allele origin: germline.
Comment: This sequence change replaces valine, which is neutral and non-polar, with methionine, which is neutral and non-polar, at codon 269 of the NDRG1 protein (p.Val269Met). This variant is present in population databases (rs750779893, gnomAD 0.0009%). This variant has not been reported in the literature in individuals affected with NDRG1-related conditions. ClinVar contains an entry for this variant (Variation ID: 934955). Algorithms developed to predict the effect of missense changes on protein structure and function are either unavailable or do not agree on the potential impact of this missense change (SIFT: "Deleterious"; PolyPhen-2: "Probably Damaging"; Align-GVGD: "Class C0"). In summary, the available evidence is currently insufficient to determine the role of this variant in disease. Therefore, it has been classified as a Variant of Uncertain Significance.

Natera, Inc.
Classification: Uncertain significance for Charcot-Marie-Tooth disease type 4D. Last evaluated: 2021-06-19. Review status: no assertion criteria provided. Collection method: clinical testing. Allele origin: germline. Not counted in ClinVar's aggregate classification.